The following is an entry in ClinVar:

ClinVar aggregate classification (germline): Uncertain significance (1 of 4 stars; one submission).

Conditions:
Peroxisome biogenesis disorder 9B. Also called: PEX7-Related Refsum Disease; Refsum disease, adult, 2; PEROXISOME BIOGENESIS DISORDER, PEX7-RELATED, ATYPICAL. Identifiers: Orphanet 773, MedGen C2749346, MONDO:0013945, OMIM 614879.

Allele frequency attached by ClinVar (database versions not stated): gnomAD exomes below 0.00001.
gnomAD v4.1: 2 of 1,613,874 alleles (0.00012%); highest among the groups gnomAD compares: East Asian, 0.0045%; no homozygotes.

Submission:

Labcorp Genetics (formerly Invitae), Labcorp
Classification: Uncertain significance for Peroxisome biogenesis disorder 9B. Last evaluated: 2022-02-14. Review status: criteria provided, single submitter. Criteria: Invitae Variant Classification Sherloc (09022015). Collection method: clinical testing. Allele origin: germline.
Comment: This sequence change replaces cysteine, which is neutral and slightly polar, with phenylalanine, which is neutral and non-polar, at codon 86 of the PEX7 protein (p.Cys86Phe). This variant has not been reported in the literature in individuals affected with PEX7-related conditions. This variant is not present in population databases (gnomAD no frequency). Algorithms developed to predict the effect of missense changes on protein structure and function are either unavailable or do not agree on the potential impact of this missense change (SIFT: "Deleterious"; PolyPhen-2: "Possibly Damaging"; Align-GVGD: "Class C0"). This variant disrupts the p.Cys86 amino acid residue in PEX7. Other variant(s) that disrupt this residue have been determined to be pathogenic (PMID: 11781871, 23462609, 23572185). This suggests that this residue is clinically significant, and that variants that disrupt this residue are likely to be disease-causing. In summary, the available evidence is currently insufficient to determine the role of this variant in disease. Therefore, it has been classified as a Variant of Uncertain Significance.

Literature cited by the submitters: PubMed 11781871; PubMed 23462609; PubMed 23572185.

NM_000288.4(PEX7):c.257G>T (p.Cys86Phe)

Gene: PEX7 (peroxisomal biogenesis factor 7; plus strand). Cytogenetic location: 6q23.3.
Variant type: single nucleotide variant.
Coding change: c.257G>T on transcript NM_000288.4 (MANE Select); coding-DNA position 257, G replaced by T.
Protein change: p.Cys86Phe; replaces cysteine 86 with phenylalanine.
Molecular consequence: missense variant.
Genome position (GRCh38, 1-based): chr6:136,826,387, G>T. VCF-style: chr6-136826387-G-T. GRCh37 (hg19) VCF-style: chr6-137147525-G-T.
Other names: c.143G>T, p.Cys48Phe (NM_001410945.1); short protein forms C86F, C48F.
Identifiers: ClinVar variation 1952033 (VCV001952033.5), dbSNP rs61753240, ClinGen allele CA148641172.